The following is an entry in ClinVar:

NM_001458.5(FLNC):c.7576T>A (p.Phe2526Ile)

Genes: FLNC-AS1 (FLNC antisense RNA 1; minus strand), FLNC (filamin C; plus strand). Cytogenetic location: 7q32.1.
Variant type: single nucleotide variant.
Coding change: c.7576T>A on transcript NM_001458.5 (MANE Select); coding-DNA position 7576, T replaced by A.
Protein change: p.Phe2526Ile; replaces phenylalanine 2526 with isoleucine.
Molecular consequence: missense variant.
Genome position (GRCh38, 1-based): chr7:128,857,132, T>A. VCF-style: chr7-128857132-T-A. GRCh37 (hg19) VCF-style: chr7-128497186-T-A.
Other names: c.7477T>A, p.Phe2493Ile (NM_001127487.2); short protein forms F2526I, F2493I.
Identifiers: ClinVar variation 1434625 (VCV001434625.11), dbSNP rs373973635, ClinGen allele CA4476315.

ClinVar aggregate classification (germline): Uncertain significance. Review status: criteria provided, multiple submitters, no conflicts (2 of 4 stars). 3 submissions from 3 submitters: Uncertain significance (3). Last evaluated 2024-09-04.

Conditions:
Myofibrillar myopathy 5. Also called: FILAMINOPATHY, AUTOSOMAL DOMINANT; Filaminopathy (type). Identifiers: Orphanet 171445, MedGen C1836050, MONDO:0012289, OMIM 609524.
Hypertrophic cardiomyopathy 26. Also called: Cardiomyopathy, familial hypertrophic, 26. Identifiers: Orphanet 75249, MedGen C4310749, MONDO:0014883, OMIM 617047.
Dilated Cardiomyopathy, Dominant.
Distal myopathy with posterior leg and anterior hand involvement. Also called: WILLIAMS DISTAL MYOPATHY. Identifiers: Orphanet 63273, MedGen C3279722, MONDO:0013550, OMIM 614065.
Cardiovascular phenotype. Identifiers: MedGen CN230736.

Allele frequency attached by ClinVar (database versions not stated): gnomAD exomes below 0.00001 and 0.00001; ExAC 0.00001; gnomAD 0.00001; TOPMed 0.00001; ESP Exome Variant Server 0.00008.
gnomAD v4.1: 16 of 1,613,882 alleles (0.00099%); highest among the groups gnomAD compares: Non-Finnish European, 0.0014%; no homozygotes.

Submissions (3):

Ambry Genetics
Classification: Uncertain significance for Cardiovascular phenotype. Last evaluated: 2024-09-04. Review status: criteria provided, single submitter. Criteria: Ambry Variant Classification Scheme 2023. Collection method: clinical testing. Allele origin: germline.
Comment: The p.F2526I variant (also known as c.7576T>A), located in coding exon 46 of the FLNC gene, results from a T to A substitution at nucleotide position 7576. The phenylalanine at codon 2526 is replaced by isoleucine, an amino acid with highly similar properties. This amino acid position is conserved. In addition, this alteration is predicted to be deleterious by in silico analysis. Since supporting evidence is limited at this time, the clinical significance of this alteration remains unclear.

Labcorp Genetics (formerly Invitae), Labcorp
Classification: Uncertain significance for Distal myopathy with posterior leg and anterior hand involvement; Myofibrillar myopathy 5; Hypertrophic cardiomyopathy 26. Last evaluated: 2024-07-02. Review status: criteria provided, single submitter. Criteria: Invitae Variant Classification Sherloc (09022015). Collection method: clinical testing. Allele origin: germline.
Comment: This sequence change replaces phenylalanine, which is neutral and non-polar, with isoleucine, which is neutral and non-polar, at codon 2526 of the FLNC protein (p.Phe2526Ile). This variant is present in population databases (rs373973635, gnomAD 0.003%). This missense change has been observed in individual(s) with clinical features of hypertrophic cardiomyopathy (Invitae). ClinVar contains an entry for this variant (Variation ID: 1434625). Advanced modeling of protein sequence and biophysical properties (such as structural, functional, and spatial information, amino acid conservation, physicochemical variation, residue mobility, and thermodynamic stability) performed at Invitae indicates that this missense variant is not expected to disrupt FLNC protein function with a negative predictive value of 80%. In summary, the available evidence is currently insufficient to determine the role of this variant in disease. Therefore, it has been classified as a Variant of Uncertain Significance.

AiLife Diagnostics
Classification: Uncertain significance. Last evaluated: 2021-07-16. Review status: criteria provided, single submitter. Criteria: ACMG Guidelines, 2015. Collection method: clinical testing. Allele origin: germline. Affected: yes. Observed: 1 variant allele.